The following is an entry in ClinVar:

ClinVar aggregate classification (germline): Uncertain significance. Review status: criteria provided, multiple submitters, no conflicts (2 of 4 stars). 3 submissions from 3 submitters: Uncertain significance (3). Last evaluated 2025-12-17.

Conditions:
Hereditary cancer-predisposing syndrome. Also called: Neoplastic Syndromes, Hereditary; Tumor predisposition; Hereditary Cancer Syndrome; Hereditary neoplastic syndrome. Identifiers: Orphanet 140162, MedGen C0027672, MeSH D009386, MONDO:0015356.
Familial cancer of breast. Also called: BREAST CANCER, FAMILIAL; Hereditary breast cancer; hereditary breast carcinoma. Identifiers: Orphanet 227535, MedGen C0346153, MONDO:0016419, OMIM 114480. Disease mechanism: loss of function.

Allele frequency attached by ClinVar (database versions not stated): gnomAD exomes below 0.00001.
gnomAD v4.1: 1 of 1,614,042 alleles (0.000062%); highest among the groups gnomAD compares: Non-Finnish European, 0.000085%; no homozygotes.

Submissions (3):

Labcorp Genetics (formerly Invitae), Labcorp
Classification: Uncertain significance for Familial cancer of breast. Last evaluated: 2025-12-17. Review status: criteria provided, single submitter. Criteria: Invitae Variant Classification Sherloc (09022015). Collection method: clinical testing. Allele origin: germline.
Comment: This sequence change disrupts the translational stop signal of the BARD1 mRNA. It is expected to extend the length of the BARD1 protein by 10 additional amino acid residues. This variant is not present in population databases (gnomAD no frequency). This variant has not been reported in the literature in individuals affected with BARD1-related conditions. ClinVar contains an entry for this variant (Variation ID: 919193). In summary, the available evidence is currently insufficient to determine the role of this variant in disease. Therefore, it has been classified as a Variant of Uncertain Significance.

Ambry Genetics
Classification: Uncertain significance for Hereditary cancer-predisposing syndrome. Last evaluated: 2023-09-29. Review status: criteria provided, single submitter. Criteria: Ambry Variant Classification Scheme 2023. Collection method: clinical testing. Allele origin: germline.
Comment: The c.2334A>G variant (also known as p.*778Wext*10), located in coding exon 11 of the BARD1 gene, results from a A to G substitution at nucleotide position 2334. This alteration disrupts the stop codon of the BARD1 gene and is predicted to preserve the native sequence while resulting in the elongation of the protein by 10 amino acids. The exact functional effect of the additional amino acids is unknown. Since supporting evidence is limited at this time, the clinical significance of this alteration remains unclear.

Color Diagnostics, LLC DBA Color Health
Classification: Uncertain significance for Hereditary cancer-predisposing syndrome. Last evaluated: 2022-12-06. Review status: criteria provided, single submitter. Criteria: ACMG Guidelines, 2015. Collection method: clinical testing. Allele origin: germline.
Comment: This variant alters the translation stop codon of the BARD1 gene and results in the extension of the protein length by 10 amino acids. To our knowledge, functional studies have not been reported for this variant. This variant has not been reported in individuals affected with BARD1-related disorders in the literature. This variant has not been identified in the general population by the Genome Aggregation Database (gnomAD). The available evidence is insufficient to determine the role of this variant in disease conclusively. Therefore, this variant is classified as a Variant of Uncertain Significance.

NM_000465.4(BARD1):c.2334A>G (p.Ter778Trp)

Gene: BARD1 (BRCA1 associated RING domain 1; minus strand). Cytogenetic location: 2q35.
Variant type: single nucleotide variant.
Coding change: c.2334A>G on transcript NM_000465.4 (MANE Select); coding-DNA position 2334, A replaced by G.
Protein change: p.Ter778Trp.
Molecular consequence: stop lost. On other transcripts: non-coding transcript variant (3).
Genome position (GRCh38, 1-based): chr2:214,728,676, T>C on the plus strand (A>G on the coding strand, the complement: BARD1 is on the minus strand). VCF-style: chr2-214728676-T-C. GRCh37 (hg19) VCF-style: chr2-215593400-T-C.
Other names: *265W; *308W; *759W; *778W; c.2277A>G, p.Ter759Trp (NM_001282543.2); c.981A>G, p.Ter327Trp (NM_001282545.2); c.924A>G, p.Ter308Trp (NM_001282548.2); c.795A>G, p.Ter265Trp (NM_001282549.2); and 1 more.
Identifiers: ClinVar variation 919193 (VCV000919193.10), dbSNP rs1692188075, ClinGen allele CA350449597.